The following is an entry in ClinVar:

NM_000443.4(ABCB4):c.2211+16C>T

Gene: ABCB4 (ATP binding cassette subfamily B member 4; minus strand). Cytogenetic location: 7q21.12.
Variant type: single nucleotide variant.
Coding change: c.2211+16C>T on transcript NM_000443.4 (MANE Select); 16 bases into the intron after coding-DNA position 2211, C replaced by T.
Molecular consequence: intron variant.
Genome position (GRCh38, 1-based): chr7:87,423,890, G>A on the plus strand (C>T on the coding strand, the complement: ABCB4 is on the minus strand). VCF-style: chr7-87423890-G-A. GRCh37 (hg19) VCF-style: chr7-87053206-G-A.
Other names: p.?; c.2211+16C>T (NM_018850.3, NM_018849.3).
Identifiers: ClinVar variation 256161 (VCV000256161.27), dbSNP rs31668, ClinGen allele CA4327096.
Genomic context (GRCh38, chr7:87,423,890, plus strand): 5'-AGTCAGTGAGGTTGGGAGAAGCAGCAGCTGATGAATTGATCTAATTCAGGCTGTTATGTG[G>A]TGTTTGCAAACTTACCGCTATGATCTCTGAGAATATGACTGAAAATGCCGGCTGAAGCCC-3'

ClinVar aggregate classification (germline): Benign/Likely benign. Review status: criteria provided, multiple submitters, no conflicts (2 of 4 stars). 13 submissions from 12 submitters: Benign (10); Likely benign (1). 2 of the submissions do not count toward it. Last evaluated 2026-04-14.

Conditions:
Low phospholipid associated cholelithiasis (GBD1). Also called: Gallstone cholecystitis; Gallbladder disease 1. Identifiers: Orphanet 69663, MedGen C2609268, MONDO:0010939, OMIM 600803.
Familial intrahepatic cholestasis. Identifiers: Orphanet 284385, MedGen CN296401, MONDO:0017290.
Cholestasis, intrahepatic, of pregnancy, 3. Identifiers: Orphanet 69665, MedGen C3554241, MONDO:0013995, OMIM 614972.
Progressive familial intrahepatic cholestasis type 3. Also called: Low Gamma-GT Familial Intrahepatic Cholestasis; MDR3 DEFICIENCY. Identifiers: Orphanet 79305, MedGen C1865643, MONDO:0011214, OMIM 602347.

Allele frequency attached by ClinVar (database versions not stated): 1000 Genomes Project 0.87360; 1000 Genomes Project 30x 0.87492; gnomAD exomes 0.89723 and 0.91586; ExAC 0.89901; TOPMed 0.91532; gnomAD 0.91760 and 0.92183; ESP Exome Variant Server 0.92596.
gnomAD v4.1: 1,477,702 of 1,613,788 alleles (92%); highest among the groups gnomAD compares: African/African-American, 94%; 678,063 homozygotes.

Submissions (13):

Genomenon, Inc
Classification: Benign for Familial intrahepatic cholestasis; Low phospholipid associated cholelithiasis. Last evaluated: 2026-04-14. Review status: criteria provided, single submitter. Criteria: Genomenon Sequence Variant Interpretation Standards - Updated. Collection method: curation. Allele origin: germline. Affected: no.
Comment: ABCB4 c.2211+16C>T is an intronic variant located in intron 17. This variant is present at high allele frequency in population databases. We classify ABCB4 c.2211+16C>T as a benign variant.

Labcorp Genetics (formerly Invitae), Labcorp
Classification: Benign. Last evaluated: 2026-02-04. Review status: criteria provided, single submitter. Criteria: Invitae Variant Classification Sherloc (09022015). Collection method: clinical testing. Allele origin: germline.

Women's Health and Genetics/Laboratory Corporation of America, LabCorp
Classification: Benign. Last evaluated: 2025-12-26. Review status: criteria provided, single submitter. Criteria: LabCorp Variant Classification Summary - May 2015. Collection method: clinical testing. Allele origin: germline.

Blueprint Genetics
Classification: Likely benign. Last evaluated: 2024-11-27. Review status: criteria provided, single submitter. Criteria: ACMG Guidelines, 2015. Collection method: clinical testing. Allele origin: germline.

Mayo Clinic Laboratories, Mayo Clinic
Classification: Benign. Last evaluated: 2022-05-05. Review status: criteria provided, single submitter. Criteria: ACMG Guidelines, 2015. Collection method: clinical testing. Allele origin: germline. Observed: 535 variant alleles.

Genome-Nilou Lab
Classification: Benign for Cholestasis, intrahepatic, of pregnancy, 3. Last evaluated: 2021-07-14. Review status: criteria provided, single submitter. Criteria: ACMG Guidelines, 2015. Collection method: clinical testing. Allele origin: germline. Affected: no.

Genome-Nilou Lab
Classification: Benign for Progressive familial intrahepatic cholestasis type 3. Last evaluated: 2021-07-14. Review status: criteria provided, single submitter. Criteria: ACMG Guidelines, 2015. Collection method: clinical testing. Allele origin: germline. Affected: no.

Eurofins Ntd Llc (ga)
Classification: Benign. Last evaluated: 2018-01-24. Review status: criteria provided, single submitter. Criteria: EGL Classification Definitions 2015. Collection method: clinical testing. Allele origin: germline. Observed: 2 variant alleles, 2 homozygotes.

GeneDx
Classification: Benign. Last evaluated: 2015-12-02. Review status: criteria provided, single submitter. Criteria: GeneDx Variant Classification (06012015). Collection method: clinical testing. Allele origin: germline. Affected: yes.
Comment: This variant is considered likely benign or benign based on one or more of the following criteria: it is a conservative change, it occurs at a poorly conserved position in the protein, it is predicted to be benign by multiple in silico algorithms, and/or has population frequency not consistent with disease.

Breakthrough Genomics
Classification: Benign. Review status: criteria provided, single submitter. Criteria: ACMG Guidelines, 2015. Collection method: not provided. Allele origin: germline. Inheritance: Autosomal recessive inheritance. Affected: yes.

PreventionGenetics, part of Exact Sciences
Classification: Benign. Review status: criteria provided, single submitter. Criteria: ACMG Guidelines, 2015. Collection method: clinical testing. Allele origin: germline.

Diagnostic Laboratory, Department of Genetics, University Medical Center Groningen
Classification: Benign. Review status: no assertion criteria provided. Collection method: clinical testing. Allele origin: germline. Affected: yes. Study: VKGL Data-share Consensus. Not counted in ClinVar's aggregate classification.

Joint Genome Diagnostic Labs from Nijmegen and Maastricht, Radboudumc and MUMC+
Classification: Benign. Review status: no assertion criteria provided. Collection method: clinical testing. Allele origin: germline. Affected: yes. Study: VKGL Data-share Consensus. Not counted in ClinVar's aggregate classification.